The following is an entry in ClinVar:

ClinVar aggregate classification (germline): Uncertain significance (1 of 4 stars; one submission).

Conditions:
GPBAR1-related disorder. Also called: GPBAR1-related condition.

gnomAD v4.1: 140 of 1,612,816 alleles (0.0087%); highest among the groups gnomAD compares: Non-Finnish European, 0.011%; no homozygotes.

Submission:

PreventionGenetics, part of Exact Sciences
Classification: Uncertain significance for GPBAR1-related condition. Last evaluated: 2026-02-09. Review status: criteria provided, single submitter. Criteria: ACMG Guidelines, 2015. Collection method: clinical testing. Allele origin: germline.
Comment: The GPBAR1 c.982G>A variant is predicted to result in the amino acid substitution p.Asp328Asn. To our knowledge, this variant has not been reported in the literature. This variant is reported in 0.0095% of alleles in individuals of European (Non-Finnish) descent in gnomAD. At this time, the clinical significance of this variant is uncertain due to the absence of conclusive functional and genetic evidence.

NM_170699.3(GPBAR1):c.982G>A (p.Asp328Asn)

Gene: GPBAR1 (G protein-coupled bile acid receptor 1; plus strand). Cytogenetic location: 2q35.
Variant type: single nucleotide variant.
Coding change: c.982G>A on transcript NM_170699.3 (MANE Select); coding-DNA position 982, G replaced by A.
Protein change: p.Asp328Asn; replaces aspartic acid 328 with asparagine.
Molecular consequence: missense variant.
Genome position (GRCh38, 1-based): chr2:218,263,706, G>A. VCF-style: chr2-218263706-G-A. GRCh37 (hg19) VCF-style: chr2-219128429-G-A.
Other names: c.982G>A, p.Asp328Asn (NM_001077191.2, NM_001077194.2, NM_001321950.2); short protein forms D328N.
Identifiers: ClinVar variation 4979921 (VCV004979921.1).
Genomic context (GRCh38, chr2:218,263,706, plus strand): 5'-CGGGACAGTCCCGGCCCCAGCATTGCCTACCACCCAAGCAGCCAAAGCAGTGTCGACCTG[G>A]ACTTGAACTAAAGGAAGGGCCTCTGCTGACTCCTACCAGAGCATCCGTCCAGCTCAGCCA-3'
Protein context (NP_733800.1, residues 318-330): HPSSQSSVDL[Asp328Asn]LN